The following is an entry in ClinVar:

ClinVar aggregate classification (germline): Uncertain significance (1 of 4 stars; one submission).

Conditions:
Arrhythmogenic right ventricular dysplasia 12. Also called: ARRHYTHMOGENIC RIGHT VENTRICULAR DYSPLASIA, FAMILIAL, 12. Identifiers: MedGen C1969081, MONDO:0012684, OMIM 611528.
Naxos disease (NXD). Also called: CARDIOMYOPATHY, ARRHYTHMOGENIC RIGHT VENTRICULAR, WITH SKIN, HAIR, AND NAIL ABNORMALITIES; KERATOSIS PALMOPLANTARIS WITH ARRHYTHMOGENIC CARDIOMYOPATHY; MAL DE NAXOS; PALMOPLANTAR KERATODERMA WITH ARRHYTHMOGENIC RIGHT VENTRICULAR CARDIOMYOPATHY AND WOOLLY HAIR; WOOLLY HAIR, PALMOPLANTAR KERATODERMA, AND CARDIAC ABNORMALITIES. Identifiers: Orphanet 34217, MedGen C1832600, MONDO:0011017, OMIM 601214.

gnomAD v4.1: 2 of 1,613,006 alleles (0.00012%); highest among the groups gnomAD compares: African/African-American, 0.0013%; no homozygotes.

Submission:

Labcorp Genetics (formerly Invitae), Labcorp
Classification: Uncertain significance for Arrhythmogenic right ventricular dysplasia 12; Naxos disease. Last evaluated: 2025-10-13. Review status: criteria provided, single submitter. Criteria: Invitae Variant Classification Sherloc (09022015). Collection method: clinical testing. Allele origin: germline.
Comment: This sequence change replaces isoleucine, which is neutral and non-polar, with valine, which is neutral and non-polar, at codon 726 of the JUP protein (p.Ile726Val). This variant is present in population databases (no rsID available, gnomAD 0.0009%). This variant has not been reported in the literature in individuals affected with JUP-related conditions. An algorithm developed to predict the effect of missense changes on protein structure and function (PolyPhen-2) suggests that this variant is likely to be tolerated. In summary, the available evidence is currently insufficient to determine the role of this variant in disease. Therefore, it has been classified as a Variant of Uncertain Significance.

NM_002230.4(JUP):c.2176A>G (p.Ile726Val)

Gene: JUP (junction plakoglobin; minus strand). Cytogenetic location: 17q21.2.
Variant type: single nucleotide variant.
Coding change: c.2176A>G on transcript NM_002230.4 (MANE Select); coding-DNA position 2176, A replaced by G.
Protein change: p.Ile726Val; replaces isoleucine 726 with valine.
Molecular consequence: missense variant.
Genome position (GRCh38, 1-based): chr17:41,755,806, T>C on the plus strand (A>G on the coding strand, the complement: JUP is on the minus strand). VCF-style: chr17-41755806-T-C. GRCh37 (hg19) VCF-style: chr17-39912058-T-C.
Other names: c.2176A>G, p.Ile726Val (NM_001352773.2, NM_001352774.2, NM_001352775.2 and 3 more transcripts); short protein forms I726V.
Identifiers: ClinVar variation 4791897 (VCV004791897.1).